The following is an entry in ClinVar:

ClinVar aggregate classification (germline): Pathogenic (1 of 4 stars; one submission).

Submission:

GeneKor MSA
Classification: Pathogenic. Last evaluated: 2020-01-01. Review status: criteria provided, single submitter. Criteria: ACMG Guidelines, 2015. Collection method: clinical testing. Allele origin: germline.
Comment: This mutation is a single base pair deletion at amino acid residue 838 of the BRCA1 gene. It results in a frameshift creating a new stop codon after 8 amino acids, thus resulting in a truncated, non-functional protein. Truncating variants in BRCA1 are known to be pathogenic.

NM_007294.4(BRCA1):c.2511del (p.Asn838fs)

Gene: BRCA1 (BRCA1 DNA repair associated; minus strand). Cytogenetic location: 17q21.31.
Variant type: Deletion.
Coding change: c.2511del on transcript NM_007294.4 (MANE Select); coding-DNA position 2511, one base deleted (T; older notation c.2511delT).
Protein change: p.Asn838fs; shifts the reading frame from asparagine 838.
Molecular consequence: frameshift variant. On other transcripts: intron variant (137).
Genome position (GRCh38, 1-based): chr17:43,093,020, A deleted on the plus strand (T on the coding strand, the reverse complement: BRCA1 is on the minus strand); the first of 2 consecutive A bases (chr17:43,093,020-43,093,021); deleting either gives the same sequence. VCF-style (leftmost placement, unchanged base first): chr17-43093019-TA-T. GRCh37 (hg19) VCF-style: chr17-41245036-TA-T.
Other names: c.2511delT (NM_007294.3); c.2298del, p.Asn767fs (NM_001407571.1, NM_001407853.1, NM_001407894.1 and 9 more transcripts); c.2511del, p.Asn838fs (NM_001407581.1, NM_001407582.1, NM_001407583.1 and 30 more transcripts); c.2508del, p.Asn837fs (NM_001407587.1, NM_001407590.1, NM_001407591.1 and 22 more transcripts); c.2502del, p.Asn835fs (NM_001407646.1, NM_001407647.1); c.2388del, p.Asn797fs (NM_001407648.1, NM_001407664.1, NM_001407665.1 and 19 more transcripts); c.2385del, p.Asn796fs (NM_001407649.1, NM_001407670.1, NM_001407671.1 and 11 more transcripts); c.2433del, p.Asn812fs (NM_001407653.1, NM_001407654.1, NM_001407655.1 and 4 more transcripts); and 42 more; short protein forms N791fs, N838fs, N670fs, N710fs, N727fs, N811fs, N835fs, N726fs.
Identifiers: ClinVar variation 495090 (VCV000495090.3), dbSNP rs1555589501, ClinGen allele CA658684086.
Genomic context (GRCh38, chr17:43,093,019, plus strand): 5'-GCAAATACTGAGCATCAAGTTCACTTTCTTCCATTTCTATGCTTGTTTCCCGACTGTGGT[TA>T]ACTTCATGTCCCAATGGATACTTAAAGCCTTCTGTGTCATTTCTATTATCTTTGGAACAA-3'